The following is an entry in ClinVar:

NM_130468.4(CHST14):c.566T>A (p.Val189Glu)

Gene: CHST14 (carbohydrate sulfotransferase 14; plus strand). Cytogenetic location: 15q15.1.
Variant type: single nucleotide variant.
Coding change: c.566T>A on transcript NM_130468.4 (MANE Select); coding-DNA position 566, T replaced by A.
Protein change: p.Val189Glu; replaces valine 189 with glutamic acid.
Molecular consequence: missense variant.
Genome position (GRCh38, 1-based): chr15:40,471,779, T>A. VCF-style: chr15-40471779-T-A. GRCh37 (hg19) VCF-style: chr15-40763978-T-A.
Other names: short protein forms V189E.
Identifiers: ClinVar variation 5034590 (VCV005034590.1).

ClinVar aggregate classification (germline): Uncertain significance (1 of 4 stars; one submission).

Conditions:
Cardiovascular phenotype. Identifiers: MedGen CN230736.

Submission:

Ambry Genetics
Classification: Uncertain significance for Cardiovascular phenotype. Last evaluated: 2026-06-22. Review status: criteria provided, single submitter. Criteria: Ambry Variant Classification Scheme 2023. Collection method: clinical testing. Allele origin: germline.
Comment: The p.V189E variant (also known as c.566T>A), located in coding exon 1 of the CHST14 gene, results from a T to A substitution at nucleotide position 566. The valine at codon 189 is replaced by glutamic acid, an amino acid with dissimilar properties. This amino acid position is conserved. In addition, this alteration is predicted to be tolerated by in silico analysis. Based on the available evidence, the clinical significance of this variant remains unclear.